The following is an entry in ClinVar:

NM_030632.3(ASXL3):c.1738G>T (p.Glu580Ter)

Gene: ASXL3 (ASXL transcriptional regulator 3; plus strand). Cytogenetic location: 18q12.1.
Variant type: single nucleotide variant.
Coding change: c.1738G>T on transcript NM_030632.3 (MANE Select); coding-DNA position 1738, G replaced by T.
Protein change: p.Glu580Ter; replaces glutamic acid 580 with a stop codon.
Molecular consequence: nonsense.
Genome position (GRCh38, 1-based): chr18:33,739,142, G>T. VCF-style: chr18-33739142-G-T. GRCh37 (hg19) VCF-style: chr18-31319106-G-T.
Other names: short protein forms E580*.
Identifiers: ClinVar variation 504223 (VCV000504223.5), dbSNP rs1555742333, ClinGen allele CA402176224.

ClinVar aggregate classification (germline): Pathogenic. Review status: criteria provided, multiple submitters, no conflicts (2 of 4 stars). 2 submissions from 2 submitters: Pathogenic (2). Last evaluated 2022-11-03.

Conditions:
Bainbridge-Ropers syndrome. Also called: Severe feeding difficulties-failure to thrive-microcephaly due to ASXL3 deficiency syndrome. Identifiers: Orphanet 352577, MedGen C4750837, MONDO:0014205, OMIM 615485.

Submissions (2):

Dasa
Classification: Pathogenic for Bainbridge-Ropers syndrome. Last evaluated: 2022-11-03. Review status: criteria provided, single submitter. Criteria: ACMG Guidelines, 2015. Collection method: clinical testing. Allele origin: germline. Affected: yes. Observed: 1 variant allele.
Comment: The c.1738G>T;p.(Glu580*) variant creates a premature translational stop signal in the ASXL3 gene. It is expected to result in an absent or disrupted protein product - PVS1. ClinVar contains an entry for this variant (ClinVar ID: 504223) - PS4_supporting. This variant is not present in population databases (rs1555742333, gnomAD; ABraOM no frequency) - PM2. In summary, the currently available evidence indicates that the variant is pathogenic.

GeneDx
Classification: Pathogenic. Last evaluated: 2018-08-10. Review status: criteria provided, single submitter. Criteria: GeneDx Variant Classification (06012015). Collection method: clinical testing. Allele origin: germline. Affected: yes.
Comment: The E580X variant in the ASXL3 gene has not been reported previously as a pathogenic variant nor as a benign variant, to our knowledge. This variant is predicted to cause loss of normal protein function either through protein truncation or nonsense-mediated mRNA decay. The E580X variant is not observed in large population cohorts (Lek et al., 2016). We interpret E580X as a pathogenic variant, consistent with the clinical features reported in this individual.